The following is an entry in ClinVar:

ClinVar aggregate classification (germline): Conflicting classifications of pathogenicity. Review status: criteria provided, conflicting classifications (1 of 4 stars). 8 submissions from 8 submitters: Pathogenic (1); Likely pathogenic (6); Uncertain significance (1). Last evaluated 2025-11-06.

Conditions:
Pulmonary hypertension, neonatal, susceptibility to (PHN). Identifiers: MedGen C3714958, MONDO:0014151, OMIM 615371.
CPS1-related disorder. Also called: CPS1-related condition.
Congenital hyperammonemia, type I. Also called: Carbamoyl phosphate synthetase 1 deficiency; Hyperammonemia due to carbamoyl phosphate synthetase 1 deficiency; CPS 1 deficiency; Carbamyl phosphate synthetase (CPS) deficiency; Carbamoyl phosphate synthetase I deficiency disease; CPS I DEFICIENCY. Identifiers: Orphanet 147, MedGen C4082171, MONDO:0009376, OMIM 237300.

Allele frequency attached by ClinVar (database versions not stated): gnomAD exomes 0.00001; TOPMed 0.00001.

Submissions (8):

Natera, Inc.
Classification: Likely pathogenic for Carbamoyl-phosphate synthase I deficiency. Last evaluated: 2025-11-06. Review status: criteria provided, single submitter. Criteria: Natera Variant Classification Schema (03/2026). Collection method: clinical testing. Allele origin: germline.
Comment: The c.4172C>T variant in CPS1 is a missense variant predicted to cause substitution of threonine to methionine at amino acid 1391. This variant is rare in the general population with a frequency below the threshold expected for the associated phenotype(s). This variant has been observed in one or more individuals affected with the associated recessive disease, as either homozygous or compound heterozygous with a second variant (PMID: 33309754). Functional studies show that this variant may disrupt protein function (PMID: 26059772). Computational prediction algorithms indicate this variant is likely to affect gene or protein function. Given the available evidence, this variant is classified as Likely Pathogenic.

Labcorp Genetics (formerly Invitae), Labcorp
Classification: Likely pathogenic for Congenital hyperammonemia, type I. Last evaluated: 2025-09-02. Review status: criteria provided, single submitter. Criteria: Invitae Variant Classification Sherloc (09022015). Collection method: clinical testing. Allele origin: germline.
Comment: This sequence change replaces threonine, which is neutral and polar, with methionine, which is neutral and non-polar, at codon 1391 of the CPS1 protein (p.Thr1391Met). This variant is present in population databases (no rsID available, gnomAD 0.003%). This missense change has been observed in individuals with clinical features of carbamoyl phosphate synthetase I deficiency (PMID: 21120950, 33309754; internal data). ClinVar contains an entry for this variant (Variation ID: 552749). Invitae Evidence Modeling of protein sequence and biophysical properties (such as structural, functional, and spatial information, amino acid conservation, physicochemical variation, residue mobility, and thermodynamic stability) indicates that this missense variant is expected to disrupt CPS1 protein function with a positive predictive value of 80%. Experimental studies have shown that this missense change affects CPS1 function (PMID: 26059772). In summary, the currently available evidence indicates that the variant is pathogenic, but additional data are needed to prove that conclusively. Therefore, this variant has been classified as Likely Pathogenic.

Blueprint Genetics
Classification: Likely pathogenic for CPS1-related disorders. Last evaluated: 2024-10-01. Review status: criteria provided, single submitter. Criteria: ACMG Guidelines, 2015. Collection method: clinical testing. Allele origin: germline. Affected: yes. Observed: 1 variant allele.

Baylor Genetics
Classification: Likely pathogenic for Pulmonary hypertension, neonatal, susceptibility to. Last evaluated: 2024-02-12. Review status: criteria provided, single submitter. Criteria: ACMG Guidelines, 2015. Collection method: clinical testing. Allele origin: unknown.

Women's Health and Genetics/Laboratory Corporation of America, LabCorp
Classification: Likely pathogenic for Congenital hyperammonemia, type I. Last evaluated: 2023-10-11. Review status: criteria provided, single submitter. Criteria: LabCorp Variant Classification Summary - May 2015. Collection method: clinical testing. Allele origin: germline.
Comment: Variant summary: CPS1 c.4172C>T (p.Thr1391Met) results in a non-conservative amino acid change located in the Methylglyoxal synthase-like domain (IPR011607) of the encoded protein sequence. Five of five in-silico tools predict a damaging effect of the variant on protein function. The variant allele was found at a frequency of 8e-06 in 251190 control chromosomes. c.4172C>T has been reported in the literature in individuals affected with Carbamoylphosphate Synthetase I Deficiency with unknown genotype or no reported second variant (e.g. Haberle_2011, Diez-Fernandez_2015), and in at least one homozygous individual with biochemical clinical features of CPS1 deficiency (e.g. Makris_2021). These data indicate that the variant may be associated with disease. At least one publication reports experimental evidence evaluating an impact on protein function. The most pronounced variant effect results in 10%-<30% of normal enzyme activity (e.g. Diez-Fernandez_2015). The following publications have been ascertained in the context of this evaluation (PMID: 26059772, 21120950, 33309754). Five submitters have cited clinical-significance assessments for this variant to ClinVar after 2014, classifying the variant as pathogenic (n=1), likely pathogenic (n=1), or uncertain significance (n=3). Based on the evidence outlined above, the variant was classified as likely pathogenic.

Myriad Genetics, Inc.
Classification: Uncertain significance for Congenital hyperammonemia, type I. Last evaluated: 2021-11-15. Review status: criteria provided, single submitter. Criteria: Myriad Women's Health Autosomal Recessive and X-Linked Classification Criteria (2021). Collection method: clinical testing. Allele origin: unknown.
Comment: NM_001875.4(CPS1):c.4172C>T(T1391M) is a missense variant classified as a variant of uncertain significance in the context of carbamoylphosphate synthetase I deficiency. T1391M has been observed in cases with relevant disease (PMID: 21120950). Functional assessments of this variant are available in the literature (PMID: 26059772). T1391M has been observed in population frequency databases (gnomAD: SAS 0.003%). In summary, there is insufficient evidence to classify NM_001875.4(CPS1):c.4172C>T(T1391M) as pathogenic or benign. Please note: this variant was assessed in the context of healthy population screening.

GeneDx
Classification: Likely pathogenic. Last evaluated: 2021-06-18. Review status: criteria provided, single submitter. Criteria: GeneDx Variant Classification Process June 2021. Collection method: clinical testing. Allele origin: germline. Affected: yes.
Comment: Published functional studies demonstrate the expression of this variant decreased enzyme activity by 80%, and significantly decreased the affinity of CPS1 for its essential allosteric activator, N-acetyl-L-glutamate (Diez-Fernandez et al., 2015); Not observed at significant frequency in large population cohorts (Lek et al., 2016); In silico analysis supports that this missense variant has a deleterious effect on protein structure/function; This variant is associated with the following publications: (PMID: 27535533, 26592762, 21120950, 26059772)

Mendelics
Classification: Pathogenic for Congenital hyperammonemia, type I. Last evaluated: 2019-05-28. Review status: criteria provided, single submitter. Criteria: Mendelics Assertion Criteria 2017. Collection method: clinical testing. Allele origin: unknown.

Literature cited by the submitters: PubMed 33309754 (cited by 3 submitters); PubMed 26059772 (cited by 4 submitters); PubMed 21120950 (cited by 3 submitters).

NM_001875.5(CPS1):c.4172C>T (p.Thr1391Met)

Gene: CPS1 (carbamoyl-phosphate synthase 1; plus strand). Cytogenetic location: 2q34.
Variant type: single nucleotide variant.
Coding change: c.4172C>T on transcript NM_001875.5 (MANE Select); coding-DNA position 4172, C replaced by T.
Protein change: p.Thr1391Met; replaces threonine 1391 with methionine.
Molecular consequence: missense variant. On other transcripts: non-coding transcript variant (2).
Genome position (GRCh38, 1-based): chr2:210,675,738, C>T. VCF-style: chr2-210675738-C-T. GRCh37 (hg19) VCF-style: chr2-211540462-C-T.
Other names: c.4172C>T (LRG_336t1); c.4172C>T, p.Thr1391Met (NM_001122633.3, NM_001369257.1); c.4205C>T, p.Thr1402Met (NM_001369256.1); short protein forms T1391M, T1402M.
Identifiers: ClinVar variation 552749 (VCV000552749.22), dbSNP rs1392934477, ClinGen allele CA350440646.
Genomic context (GRCh38, chr2:210,675,738, plus strand): 5'-AATAAGAAATCACTGTGATACGGTAATTGATTTTTTCATTTTAAATGCAGCTGTTTGCCA[C>T]GGAAGCCACATCAGACTGGCTCAACGCCAACAATGTCCCTGCCACCCCAGTGGCATGGCC-3'
Protein context (NP_001866.2, residues 1381-1401): LHNEGFKLFA[Thr1391Met]EATSDWLNAN